The following is an entry in ClinVar:

ClinVar aggregate classification (germline): Pathogenic. Review status: criteria provided, multiple submitters, no conflicts (2 of 4 stars). 3 submissions from 3 submitters: Pathogenic (2). 1 of the submissions does not count toward it. Last evaluated 2024-01-01.

Conditions:
Gastric cancer. Also called: Malignant tumor of stomach; Stomach cancer. Identifiers: MedGen C0024623, MeSH D013274, MONDO:0001056, OMIM 613659, HP:0012126.
Fanconi anemia complementation group J. Also called: BRIP1-Related Fanconi Anemia. Identifiers: Orphanet 84, MedGen C1836860, MONDO:0012187, OMIM 609054.
Familial cancer of breast. Also called: Hereditary breast cancer; hereditary breast carcinoma; BREAST CANCER, FAMILIAL. Identifiers: Orphanet 227535, MedGen C0346153, MONDO:0016419, OMIM 114480. Disease mechanism: loss of function.

gnomAD v4.1: 3 of 1,613,368 alleles (0.00019%); highest among the groups gnomAD compares: African/African-American, 0.0013%; no homozygotes.

Submissions (3):

Labcorp Genetics (formerly Invitae), Labcorp
Classification: Pathogenic for Familial cancer of breast; Fanconi anemia complementation group J. Last evaluated: 2024-01-01. Review status: criteria provided, single submitter. Criteria: Invitae Variant Classification Sherloc (09022015). Collection method: clinical testing. Allele origin: germline.
Comment: This sequence change creates a premature translational stop signal (p.Gly529*) in the BRIP1 gene. It is expected to result in an absent or disrupted protein product. Loss-of-function variants in BRIP1 are known to be pathogenic (PMID: 16116423, 17033622, 21964575). This variant is not present in population databases (gnomAD no frequency). This premature translational stop signal has been observed in individual(s) with prostate cancer (PMID: 31214711). ClinVar contains an entry for this variant (Variation ID: 1801669). Algorithms developed to predict the effect of sequence changes on RNA splicing suggest that this variant may disrupt the consensus splice site. For these reasons, this variant has been classified as Pathogenic.

Myriad Genetics, Inc.
Classification: Pathogenic for Familial cancer of breast. Last evaluated: 2023-06-02. Review status: criteria provided, single submitter. Criteria: Myriad Autosomal Dominant, Autosomal Recessive and X-Linked Classification Criteria (2023). Collection method: clinical testing. Allele origin: unknown.
Comment: This variant is considered pathogenic. This variant creates a termination codon and is predicted to result in premature protein truncation.

Laboratory for Genotyping Development, RIKEN
Classification: Pathogenic for Gastric cancer. Last evaluated: 2021-07-01. Review status: no assertion criteria provided. Collection method: research. Allele origin: germline. Not counted in ClinVar's aggregate classification.

Literature cited by the submitters: PubMed 16116423 (cited by Labcorp Genetics (formerly Invitae), Labcorp); PubMed 17033622 (cited by Labcorp Genetics (formerly Invitae), Labcorp); PubMed 21964575 (cited by Labcorp Genetics (formerly Invitae), Labcorp); PubMed 31214711 (cited by Labcorp Genetics (formerly Invitae), Labcorp); PubMed 36988593 (cited by Laboratory for Genotyping Development, RIKEN).

NM_032043.3(BRIP1):c.1585G>T (p.Gly529Ter)

Gene: BRIP1 (BRCA1 interacting DNA helicase 1; minus strand). Cytogenetic location: 17q23.2.
Variant type: single nucleotide variant.
Coding change: c.1585G>T on transcript NM_032043.3 (MANE Select); coding-DNA position 1585, G replaced by T.
Protein change: p.Gly529Ter; replaces glycine 529 with a stop codon.
Molecular consequence: nonsense.
Genome position (GRCh38, 1-based): chr17:61,784,313, C>A on the plus strand (G>T on the coding strand, the complement: BRIP1 is on the minus strand). VCF-style: chr17-61784313-C-A. GRCh37 (hg19) VCF-style: chr17-59861674-C-A.
Other names: short protein forms G529*.
Identifiers: ClinVar variation 1801669 (VCV001801669.5), dbSNP rs876659321, ClinGen allele CA400481048.